The following is an entry in ClinVar:

NM_153026.3(PRICKLE1):c.246+247C>T

Gene: PRICKLE1 (prickle planar cell polarity protein 1; minus strand). Cytogenetic location: 12q12.
Variant type: single nucleotide variant.
Coding change: c.246+247C>T on transcript NM_153026.3 (MANE Select); 247 bases into the intron after coding-DNA position 246, C replaced by T.
Molecular consequence: intron variant.
Genome position (GRCh38, 1-based): chr12:42,469,999, G>A on the plus strand (C>T on the coding strand, the complement: PRICKLE1 is on the minus strand). VCF-style: chr12-42469999-G-A. GRCh37 (hg19) VCF-style: chr12-42863801-G-A.
Other names: c.246+247C>T (NM_001144883.2, NM_001144882.2, NM_001144881.2).
Identifiers: ClinVar variation 668600 (VCV000668600.1), dbSNP rs3213989, ClinGen allele CA15734696.

ClinVar aggregate classification (germline): Benign (1 of 4 stars; one submission).

Allele frequency attached by ClinVar (database versions not stated): 1000 Genomes Project 30x 0.25781; 1000 Genomes Project 0.26058; TOPMed 0.32376; gnomAD 0.32608 and 0.32981; gnomAD exomes 0.34711.
gnomAD v4.1: 175,455 of 514,810 alleles (34%); highest among the groups gnomAD compares: Non-Finnish European, 38%; 31,614 homozygotes.

Submission:

GeneDx
Classification: Benign. Last evaluated: 2018-06-14. Review status: criteria provided, single submitter. Criteria: GeneDx Variant Classification (06012015). Collection method: clinical testing. Allele origin: germline. Affected: yes.
Comment: This variant is considered likely benign or benign based on one or more of the following criteria: it is a conservative change, it occurs at a poorly conserved position in the protein, it is predicted to be benign by multiple in silico algorithms, and/or has population frequency not consistent with disease.